The following is an entry in ClinVar:

NM_032043.3(BRIP1):c.1401A>G (p.Ile467Met)

Gene: BRIP1 (BRCA1 interacting DNA helicase 1; minus strand). Cytogenetic location: 17q23.2.
Variant type: single nucleotide variant.
Coding change: c.1401A>G on transcript NM_032043.3 (MANE Select); coding-DNA position 1401, A replaced by G.
Protein change: p.Ile467Met; replaces isoleucine 467 with methionine.
Molecular consequence: missense variant.
Genome position (GRCh38, 1-based): chr17:61,793,669, T>C on the plus strand (A>G on the coding strand, the complement: BRIP1 is on the minus strand). VCF-style: chr17-61793669-T-C. GRCh37 (hg19) VCF-style: chr17-59871030-T-C.
Other names: short protein forms I467M.
Identifiers: ClinVar variation 230902 (VCV000230902.25), dbSNP rs764979728, ClinGen allele CA8690745.

ClinVar aggregate classification (germline): Uncertain significance. Review status: criteria provided, multiple submitters, no conflicts (2 of 4 stars). 6 submissions from 6 submitters: Uncertain significance (6). Last evaluated 2026-02-03.

Conditions:
BRIP1-related disorder. Also called: BRIP1-related condition; BRIP1-related disorders. Identifiers: MedGen CN239206.
Fanconi anemia complementation group J. Also called: BRIP1-Related Fanconi Anemia. Identifiers: Orphanet 84, MedGen C1836860, MONDO:0012187, OMIM 609054.
Familial cancer of breast. Also called: hereditary breast carcinoma; BREAST CANCER, FAMILIAL; Hereditary breast cancer. Identifiers: Orphanet 227535, MedGen C0346153, MONDO:0016419, OMIM 114480. Disease mechanism: loss of function.
Hereditary cancer-predisposing syndrome. Also called: Neoplastic Syndromes, Hereditary; Tumor predisposition; Hereditary Cancer Syndrome; Hereditary neoplastic syndrome. Identifiers: Orphanet 140162, MedGen C0027672, MeSH D009386, MONDO:0015356.

Allele frequency attached by ClinVar (database versions not stated): gnomAD below 0.00001 and 0.00001; ExAC 0.00001; gnomAD exomes 0.00001.
gnomAD v4.1: 21 of 1,610,268 alleles (0.0013%); highest among the groups gnomAD compares: South Asian, 0.013%; no homozygotes.

Submissions (6):

PreventionGenetics, part of Exact Sciences
Classification: Uncertain significance for BRIP1-related condition. Last evaluated: 2026-02-03. Review status: criteria provided, single submitter. Criteria: ACMG Guidelines, 2015. Collection method: clinical testing. Allele origin: germline.
Comment: The BRIP1 c.1401A>G variant is predicted to result in the amino acid substitution p.Ile467Met. This variant has been reported in the literature in an individual with breast cancer (Mittal et al. 2022. PubMed ID: 36200007). This variant is reported in 0.0099% of alleles in individuals of South Asian descent in gnomAD. This variant is interpreted as uncertain in ClinVar (Variation ID: 230902). At this time, the clinical significance of this variant is uncertain due to the absence of conclusive functional and genetic evidence.

Labcorp Genetics (formerly Invitae), Labcorp
Classification: Uncertain significance for Familial cancer of breast; Fanconi anemia complementation group J. Last evaluated: 2025-09-04. Review status: criteria provided, single submitter. Criteria: Invitae Variant Classification Sherloc (09022015). Collection method: clinical testing. Allele origin: germline.
Comment: This sequence change replaces isoleucine, which is neutral and non-polar, with methionine, which is neutral and non-polar, at codon 467 of the BRIP1 protein (p.Ile467Met). This variant is present in population databases (rs764979728, gnomAD 0.01%). This variant has not been reported in the literature in individuals affected with BRIP1-related conditions. ClinVar contains an entry for this variant (Variation ID: 230902). Invitae Evidence Modeling of protein sequence and biophysical properties (such as structural, functional, and spatial information, amino acid conservation, physicochemical variation, residue mobility, and thermodynamic stability) indicates that this missense variant is not expected to disrupt BRIP1 protein function with a negative predictive value of 95%. In summary, the available evidence is currently insufficient to determine the role of this variant in disease. Therefore, it has been classified as a Variant of Uncertain Significance.

Color Diagnostics, LLC DBA Color Health
Classification: Uncertain significance for Hereditary cancer-predisposing syndrome. Last evaluated: 2025-08-11. Review status: criteria provided, single submitter. Criteria: ACMG Guidelines, 2015. Collection method: clinical testing. Allele origin: germline.
Comment: This missense variant replaces isoleucine with methionine at codon 467 of the BRIP1 protein. Computational prediction suggests that this variant may not impact protein structure and function. To our knowledge, functional studies have not been reported for this variant. This variant has been reported in an individual affected with breast cancer (PMID: 36200007). This variant has been identified in 4/278468 chromosomes in the general population by the Genome Aggregation Database (gnomAD). The available evidence is insufficient to determine the role of this variant in disease conclusively. Therefore, this variant is classified as a Variant of Uncertain Significance.

Center for Genomic Medicine, Rigshospitalet, Copenhagen University Hospital
Classification: Uncertain significance. Last evaluated: 2025-03-04. Review status: criteria provided, single submitter. Criteria: ACMG Guidelines, 2015. Collection method: clinical testing. Allele origin: germline.

Ambry Genetics
Classification: Uncertain significance for Hereditary cancer-predisposing syndrome. Last evaluated: 2023-10-25. Review status: criteria provided, single submitter. Criteria: Ambry Variant Classification Scheme 2023. Collection method: clinical testing. Allele origin: germline.
Comment: The p.I467M variant (also known as c.1401A>G), located in coding exon 9 of the BRIP1 gene, results from an A to G substitution at nucleotide position 1401. The isoleucine at codon 467 is replaced by methionine, an amino acid with highly similar properties. This amino acid position is not well conserved in available vertebrate species. In addition, this alteration is predicted to be tolerated by in silico analysis. Since supporting evidence is limited at this time, the clinical significance of this alteration remains unclear.

Blueprint Genetics
Classification: Uncertain significance. Last evaluated: 2022-06-28. Review status: criteria provided, single submitter. Criteria: ACMG Guidelines, 2015. Collection method: clinical testing. Allele origin: germline.

Literature cited by the submitters: PubMed 36200007 (cited by Color Diagnostics, LLC DBA Color Health).